The following is an entry in ClinVar:

NM_001378454.1(ALMS1):c.324+5G>T

Gene: ALMS1 (ALMS1 centrosome and basal body associated protein; plus strand). Cytogenetic location: 2p13.1.
Variant type: single nucleotide variant.
Coding change: c.324+5G>T on transcript NM_001378454.1 (MANE Select); 5 bases into the intron after coding-DNA position 324, G replaced by T.
Molecular consequence: intron variant.
Genome position (GRCh38, 1-based): chr2:73,386,197, G>T. VCF-style: chr2-73386197-G-T. GRCh37 (hg19) VCF-style: chr2-73613325-G-T.
Other names: c.324+5G>T (NM_015120.4).
Identifiers: ClinVar variation 2132274 (VCV002132274.4), dbSNP rs2465971961, ClinGen allele CA2580068099.

ClinVar aggregate classification (germline): Uncertain significance (1 of 4 stars; one submission).

Conditions:
Alstrom syndrome (ALMS). Identifiers: Orphanet 64, MedGen C0268425, MONDO:0008763, OMIM 203800.

Submission:

Labcorp Genetics (formerly Invitae), Labcorp
Classification: Uncertain significance for Alstrom syndrome. Last evaluated: 2022-04-30. Review status: criteria provided, single submitter. Criteria: Invitae Variant Classification Sherloc (09022015). Collection method: clinical testing. Allele origin: germline.
Comment: In summary, the available evidence is currently insufficient to determine the role of this variant in disease. Therefore, it has been classified as a Variant of Uncertain Significance. Variants that disrupt the consensus splice site are a relatively common cause of aberrant splicing (PMID: 17576681, 9536098). Experimental studies and prediction algorithms are not available or were not evaluated, and the effect of this variant on mRNA splicing is currently unknown. This variant has not been reported in the literature in individuals affected with ALMS1-related conditions. This variant is not present in population databases (gnomAD no frequency). This sequence change falls in intron 1 of the ALMS1 gene. It does not directly change the encoded amino acid sequence of the ALMS1 protein. It affects a nucleotide within the consensus splice site.

Literature cited by the submitters: PubMed 17576681; PubMed 9536098.